The following is an entry in ClinVar:

ClinVar aggregate classification (germline): Uncertain significance. Review status: criteria provided, multiple submitters, no conflicts (2 of 4 stars). 3 submissions from 3 submitters: Uncertain significance (3). Last evaluated 2024-10-21.

Conditions:
Familial thoracic aortic aneurysm and aortic dissection (TAAD). Also called: Thoracic aortic aneurysms and dissections. Identifiers: Orphanet 91387, MedGen C4707243, MONDO:0019625.
Aortic aneurysm, familial thoracic 7 (AAT7). Also called: AORTIC DISSECTION, FAMILIAL, WITH OR WITHOUT AORTIC ANEURYSM. Identifiers: MedGen C3151077, MONDO:0013418, OMIM 613780.

Allele frequency attached by ClinVar (database versions not stated): gnomAD exomes below 0.00001; TOPMed below 0.00001; gnomAD 0.00001; ExAC 0.00002.
gnomAD v4.1: 8 of 1,614,052 alleles (0.0005%); highest among the groups gnomAD compares: Admixed American, 0.0017%; no homozygotes.

Submissions (3):

Ambry Genetics
Classification: Uncertain significance for Familial thoracic aortic aneurysm and aortic dissection. Last evaluated: 2024-10-21. Review status: criteria provided, single submitter. Criteria: Ambry Variant Classification Scheme 2023. Collection method: clinical testing. Allele origin: germline.

Women's Health and Genetics/Laboratory Corporation of America, LabCorp
Classification: Uncertain significance. Last evaluated: 2023-07-21. Review status: criteria provided, single submitter. Criteria: LabCorp Variant Classification Summary - May 2015. Collection method: clinical testing. Allele origin: germline.

Labcorp Genetics (formerly Invitae), Labcorp
Classification: Uncertain significance for Aortic aneurysm, familial thoracic 7. Last evaluated: 2022-03-14. Review status: criteria provided, single submitter. Criteria: Invitae Variant Classification Sherloc (09022015). Collection method: clinical testing. Allele origin: germline.
Comment: This sequence change replaces glycine, which is neutral and non-polar, with aspartic acid, which is acidic and polar, at codon 468 of the MYLK protein (p.Gly468Asp). In summary, the available evidence is currently insufficient to determine the role of this variant in disease. Therefore, it has been classified as a Variant of Uncertain Significance. Advanced modeling of protein sequence and biophysical properties (such as structural, functional, and spatial information, amino acid conservation, physicochemical variation, residue mobility, and thermodynamic stability) performed at Invitae indicates that this missense variant is not expected to disrupt MYLK protein function. This variant has not been reported in the literature in individuals affected with MYLK-related conditions. This variant is present in population databases (rs750251391, gnomAD 0.003%).

NM_053025.4(MYLK):c.1403G>A (p.Gly468Asp)

Gene: MYLK (myosin light chain kinase; minus strand). Cytogenetic location: 3q21.1.
Variant type: single nucleotide variant.
Coding change: c.1403G>A on transcript NM_053025.4 (MANE Select); coding-DNA position 1403, G replaced by A.
Protein change: p.Gly468Asp; replaces glycine 468 with aspartic acid.
Molecular consequence: missense variant. On other transcripts: intron variant (2).
Genome position (GRCh38, 1-based): chr3:123,733,009, C>T on the plus strand (G>A on the coding strand, the complement: MYLK is on the minus strand). VCF-style: chr3-123733009-C-T. GRCh37 (hg19) VCF-style: chr3-123451856-C-T.
Other names: c.1403G>A (NM_053025.3); c.875G>A, p.Gly292Asp (NM_001321309.2); c.1403G>A, p.Gly468Asp (NM_053027.4); c.1309+678G>A (NM_053028.4, NM_053026.4); short protein forms G468D, G292D.
Identifiers: ClinVar variation 2154335 (VCV002154335.7), dbSNP rs750251391, ClinGen allele CA067064.